The following is an entry in ClinVar:

ClinVar aggregate classification (germline): Conflicting classifications of pathogenicity. Review status: criteria provided, conflicting classifications (1 of 4 stars). 11 submissions from 11 submitters: Uncertain significance (1); Benign (1); Likely benign (6). 3 of the submissions do not count toward it. Last evaluated 2026-02-04.

Conditions:
Multiple endocrine neoplasia, type 1 (MEN1). Also called: MEN I; WERMER SYNDROME; Endocrine adenomatosis multiple; MEN 1; MEA I. Identifiers: Orphanet 652, MedGen C0025267, MeSH D018761, MONDO:0007540, OMIM 131100.

Submissions (11):

Labcorp Genetics (formerly Invitae), Labcorp
Classification: Likely benign for Multiple endocrine neoplasia, type 1. Last evaluated: 2026-02-04. Review status: criteria provided, single submitter. Criteria: Invitae Variant Classification Sherloc (09022015). Collection method: clinical testing. Allele origin: germline.

Center for Genomic Medicine, Rigshospitalet, Copenhagen University Hospital
Classification: Uncertain significance. Last evaluated: 2025-03-04. Review status: criteria provided, single submitter. Criteria: ACMG Guidelines, 2015. Collection method: clinical testing. Allele origin: germline.

Women's Health and Genetics/Laboratory Corporation of America, LabCorp
Classification: Likely benign. Last evaluated: 2024-12-20. Review status: criteria provided, single submitter. Criteria: LabCorp Variant Classification Summary - May 2015. Collection method: clinical testing. Allele origin: germline.
Comment: Variant summary: MEN1 c.784-15_784-14delTC alters a nucleotide located at a position not widely known to affect splicing. Consensus agreement among computation tools predict no significant impact on normal splicing. However, these predictions have yet to be confirmed by functional studies. The variant allele was found at a frequency of 0.00022 in 248156 control chromosomes (gnomAD). The observed variant frequency is approximately 10-fold of the estimated maximal expected allele frequency for a pathogenic variant in MEN1 causing Multiple Endocrine Neoplasia Type 1/Familial Isolated Hyperparthyroidism phenotype (2.1e-05). c.784-15_784-14delTC has been reported in the literature in individuals affected with Multiple Endocrine Neoplasia Type 1/Familial Isolated Hyperparthyroidism without evidence of cosegregation with disease (e.g. Cetani_2006, Jager_2006). These reports do not provide unequivocal conclusions about association of the variant with Multiple Endocrine Neoplasia Type 1/Familial Isolated Hyperparthyroidism. To our knowledge, no experimental evidence demonstrating an impact on protein function has been reported. The following publications have been ascertained in the context of this evaluation (PMID: 16430712, 16563611). ClinVar contains an entry for this variant (Variation ID: 200968). Based on the evidence outlined above, the variant was classified as likely benign.

Blueprint Genetics
Classification: Likely benign. Last evaluated: 2024-11-25. Review status: criteria provided, single submitter. Criteria: ACMG Guidelines, 2015. Collection method: clinical testing. Allele origin: germline.

Myriad Genetics, Inc.
Classification: Likely benign for Multiple endocrine neoplasia, type 1. Last evaluated: 2024-11-01. Review status: criteria provided, single submitter. Criteria: Myriad Autosomal Dominant, Autosomal Recessive and X-Linked Classification Criteria (2023). Collection method: clinical testing. Allele origin: unknown.
Comment: This variant is considered likely benign. This variant is intronic and is not expected to impact mRNA splicing. This variant has been observed at a population frequency that is significantly greater than expected given the associated disease prevalence and penetrance.

All of Us Research Program, National Institutes of Health
Classification: Likely benign for Multiple endocrine neoplasia, type 1. Last evaluated: 2024-09-23. Review status: criteria provided, single submitter. Criteria: ACMG Guidelines, 2015. Collection method: clinical testing. Allele origin: germline. Inheritance: Autosomal dominant inheritance. Observed: 140 variant alleles, 140 heterozygotes.
Comment: This study involves interpretation of variants in research participants for the purpose of population health screening. Participant phenotype was not available at the time of variant classification. Additional details can be found in publication PMID: 35346344, PMCID: PMC8962531

Color Diagnostics, LLC DBA Color Health
Classification: Likely benign for Multiple endocrine neoplasia, type 1. Last evaluated: 2022-01-28. Review status: criteria provided, single submitter. Criteria: ACMG Guidelines, 2015. Collection method: clinical testing. Allele origin: germline.

GeneDx
Classification: Benign. Last evaluated: 2013-06-12. Review status: criteria provided, single submitter. Criteria: GeneDx Variant Classification (06012015). Collection method: clinical testing. Allele origin: germline. Affected: yes.
Comment: The variant is found in MEN1 panel(s).

Counsyl
Classification: Uncertain significance for Multiple endocrine neoplasia, type 1. Last evaluated: 2015-12-30. Review status: no assertion criteria provided. Collection method: clinical testing. Allele origin: unknown. Not counted in ClinVar's aggregate classification.

Diagnostic Laboratory, Department of Genetics, University Medical Center Groningen
Classification: Likely benign. Review status: no assertion criteria provided. Collection method: clinical testing. Allele origin: germline. Affected: yes. Study: VKGL Data-share Consensus. Not counted in ClinVar's aggregate classification.

Genome Diagnostics Laboratory, Amsterdam University Medical Center
Classification: Likely benign. Review status: no assertion criteria provided. Collection method: clinical testing. Allele origin: germline. Affected: yes. Study: VKGL Data-share Consensus. Not counted in ClinVar's aggregate classification.

Literature cited by the submitters: PubMed 16430712 (cited by Women's Health and Genetics/Laboratory Corporation of America, LabCorp); PubMed 16563611 (cited by Women's Health and Genetics/Laboratory Corporation of America, LabCorp).

NM_001370259.2(MEN1):c.784-19TC[2]

Gene: MEN1 (menin 1; minus strand). Cytogenetic location: 11q13.1.
Variant type: Microsatellite.
Coding change: c.784-19TC[2] on transcript NM_001370259.2 (MANE Select); two copies in a row of the 2-base unit TC starting at c.784-19; the reference has three copies in a row; one copy, 2 bases deleted.
Molecular consequence: intron variant.
Genome position (GRCh38, 1-based): chr11:64,807,233-64,807,234, GA deleted on the plus strand (TC on the coding strand, the reverse complement: MEN1 is on the minus strand); deleting any 2 consecutive bases within chr11:64,807,233-64,807,239 gives the same sequence; the position shown is the placement nearest the transcript's 3' end. VCF-style (leftmost placement, unchanged base first): chr11-64807232-GGA-G. GRCh37 (hg19) VCF-style: chr11-64574704-GGA-G.
Other names: c.799-19TC[2] (NM_130804.3, NM_130803.3, NM_000244.4 and 3 more transcripts); c.784-19TC[2] (NM_130799.3, NM_001370260.2, NM_001370251.2 and 1 more transcripts); c.679-19TC[2] (NM_001370263.2, NM_001370262.2); c.784-15_784-14delTC (NM_130799.3, NM_130799.2); c.784-15_784-14del (NM_130799.2).
Identifiers: ClinVar variation 200968 (VCV000200968.25), dbSNP rs764290037, ClinGen allele CA009629.